The following is an entry in ClinVar:

NC_000015.9:g.(?_42695919)_(42695985_?)dup

Gene: CAPN3 (calpain 3; plus strand). Cytogenetic location: 15q15.1.
Variant type: Duplication.
Identifiers: ClinVar variation 1067165 (VCV001067165.3).

ClinVar aggregate classification (germline): Likely pathogenic (1 of 4 stars; one submission).

Conditions:
Autosomal recessive limb-girdle muscular dystrophy type 2A (LGMDR1). Also called: LEYDEN-MOEBIUS MUSCULAR DYSTROPHY; MUSCULAR DYSTROPHY, PELVOFEMORAL; Limb-girdle muscular dystrophy, type 2A; Calpainopathy; Muscular dystrophy, limb-girdle, type 2A, Amish. Identifiers: Orphanet 267, MedGen C1869123, MONDO:0009675, OMIM 253600. Disease mechanism: loss of function.

Submission:

Labcorp Genetics (formerly Invitae), Labcorp
Classification: Likely pathogenic for Autosomal recessive limb-girdle muscular dystrophy type 2A. Last evaluated: 2020-10-06. Review status: criteria provided, single submitter. Criteria: Invitae Variant Classification Sherloc (09022015). Collection method: clinical testing. Allele origin: germline.
Comment: In summary, the currently available evidence indicates that the variant is pathogenic, but additional data are needed to prove that conclusively. Therefore, this variant has been classified as Likely Pathogenic. Loss-of-function variants in CAPN3 are known to be pathogenic (PMID: 10330340, 15689361). This variant has not been reported in the literature in individuals with CAPN3-related conditions. This variant results in a copy number gain of the genomic region encompassing exon(s) 14 of the CAPN3 gene. While the exact position of this variant cannot be determined from the data, sub-genic copy number gains are generally in tandem (PMID: 25640679). This variant is predicted to be out-of-frame, and may result in an absent or disrupted protein product.

Literature cited by the submitters: PubMed 10330340; PubMed 15689361; PubMed 25640679.